The following is an entry in ClinVar:

NM_000238.4(KCNH2):c.216G>A (p.Pro72=)

Gene: KCNH2 (potassium voltage-gated channel subfamily H member 2; minus strand). Cytogenetic location: 7q36.1.
Variant type: single nucleotide variant.
Coding change: c.216G>A on transcript NM_000238.4 (MANE Select); coding-DNA position 216, G replaced by A.
Protein change: p.Pro72=; no amino-acid change (proline 72 retained).
Molecular consequence: synonymous variant. On other transcripts: non-coding transcript variant (1).
Genome position (GRCh38, 1-based): chr7:150,974,802, C>T on the plus strand (G>A on the coding strand, the complement: KCNH2 is on the minus strand). VCF-style: chr7-150974802-C-T. GRCh37 (hg19) VCF-style: chr7-150671890-C-T.
Other names: c.39G>A, p.Pro13= (NM_001406755.1); c.216G>A, p.Pro72= (NM_172056.3).
Identifiers: ClinVar variation 3894395 (VCV003894395.3).
Genomic context (GRCh38, chr7:150,974,802, plus strand): 5'-GCGCTCCTCGGCGCCCAGCAGTGCCTGCGCGATCTGCGCGGCAGCGCGGCGCTGCGTGCG[C>T]GGCCCGTGCAGGAAGTCGCAGGTGCAGGGTCGCTGCATCACCTCGGCCCGCGAGTAGCCG-3'
Protein context (NP_000229.1, residues 62-82): RPCTCDFLHG[Pro72=]RTQRRAAAQI

ClinVar aggregate classification (germline): Likely benign. Review status: criteria provided, multiple submitters, no conflicts (2 of 4 stars). 3 submissions from 3 submitters: Likely benign (3). Last evaluated 2026-03-27.

Conditions:
Long QT syndrome (LQTS). Identifiers: MedGen C0023976, MeSH D008133, MONDO:0002442. Disease mechanism: loss of function. Inheritance: Various modes of inheritance.
Cardiac arrhythmia. Also called: Arrhythmia; Cardiac rhythm disease. Identifiers: MedGen C0003811, MONDO:0007263, HP:0011675.

gnomAD v4.1: 3 of 1,604,904 alleles (0.00019%); highest among the groups gnomAD compares: East Asian, 0.0023%; no homozygotes.

Submissions (3):

Molecular Diagnostic Laboratory for Inherited Cardiovascular Disease, Montreal Heart Institute
Classification: Likely benign. Last evaluated: 2026-03-27. Review status: criteria provided, single submitter. Criteria: ACMG Guidelines, 2015. Collection method: clinical testing. Allele origin: germline. Affected: no.
Comment: BP7

Labcorp Genetics (formerly Invitae), Labcorp
Classification: Likely benign for Long QT syndrome. Last evaluated: 2025-08-18. Review status: criteria provided, single submitter. Criteria: Invitae Variant Classification Sherloc (09022015). Collection method: clinical testing. Allele origin: germline.

Color Diagnostics, LLC DBA Color Health
Classification: Likely benign for Cardiac arrhythmia. Last evaluated: 2022-11-06. Review status: criteria provided, single submitter. Criteria: ACMG Guidelines, 2015. Collection method: clinical testing. Allele origin: germline.